The following is an entry in ClinVar:

NM_000059.4(BRCA2):c.9599C>T (p.Ser3200Leu)

Gene: BRCA2 (BRCA2 DNA repair associated; plus strand). Cytogenetic location: 13q13.1.
Variant type: single nucleotide variant.
Coding change: c.9599C>T on transcript NM_000059.4 (MANE Select); coding-DNA position 9599, C replaced by T.
Protein change: p.Ser3200Leu; replaces serine 3200 with leucine.
Molecular consequence: missense variant. On other transcripts: non-coding transcript variant (1).
Genome position (GRCh38, 1-based): chr13:32,396,995, C>T. VCF-style: chr13-32396995-C-T. GRCh37 (hg19) VCF-style: chr13-32971132-C-T.
Other names: c.9503C>T, p.Ser3168Leu (NM_001406719.1); c.9548C>T, p.Ser3183Leu (NM_001406720.1); c.4667C>T, p.Ser1556Leu (NM_001406721.1); c.3182C>T, p.Ser1061Leu (NM_001406722.1); short protein forms S1061L, S1556L, S3168L, S3183L, S3200L.
Identifiers: ClinVar variation 3075086 (VCV003075086.1), dbSNP rs80359230, ClinGen allele CA387763556.

ClinVar aggregate classification (germline): Uncertain significance (1 of 4 stars; one submission).

Conditions:
Breast-ovarian cancer, familial, susceptibility to, 2 (BROVCA2). Also called: BRCA2 Hereditary Breast and Ovarian Cancer. Identifiers: Orphanet 145, MedGen C2675520, MONDO:0012933, OMIM 612555. Disease mechanism: loss of function.

Submission:

All of Us Research Program, National Institutes of Health
Classification: Uncertain significance for Breast-ovarian cancer, familial, susceptibility to, 2. Last evaluated: 2023-12-18. Review status: criteria provided, single submitter. Criteria: ACMG Guidelines, 2015. Collection method: clinical testing. Allele origin: germline. Inheritance: Autosomal dominant inheritance. Observed: 1 variant allele, 1 heterozygote.
Comment: This missense variant replaces serine with leucine at codon 3200 of the BRCA2 protein. Computational prediction suggests that this variant may not impact protein structure and function (internally defined REVEL score threshold <= 0.5, PMID: 27666373). To our knowledge, functional studies have not been reported for this variant. This variant has not been reported in individuals affected with BRCA2-related disorders in the literature. This variant has not been identified in the general population by the Genome Aggregation Database (gnomAD). The available evidence is insufficient to determine the role of this variant in disease conclusively. Therefore, this variant is classified as a Variant of Uncertain Significance.

This study involves interpretation of variants in research participants for the purpose of population health screening. Participant phenotype was not available at the time of variant classification. Additional details can be found in publication PMID: 35346344, PMCID: PMC8962531